The following is an entry in ClinVar:

NM_006231.4(POLE):c.2798T>A (p.Val933Asp)

Gene: POLE (DNA polymerase epsilon, catalytic subunit; minus strand). Cytogenetic location: 12q24.33.
Variant type: single nucleotide variant.
Coding change: c.2798T>A on transcript NM_006231.4 (MANE Select); coding-DNA position 2798, T replaced by A.
Protein change: p.Val933Asp; replaces valine 933 with aspartic acid.
Molecular consequence: missense variant.
Genome position (GRCh38, 1-based): chr12:132,661,593, A>T on the plus strand (T>A on the coding strand, the complement: POLE is on the minus strand). VCF-style: chr12-132661593-A-T. GRCh37 (hg19) VCF-style: chr12-133238179-A-T.
Other names: c.2798T>A (NM_006231.2); short protein forms V933D.
Identifiers: ClinVar variation 2165122 (VCV002165122.5), dbSNP rs2135948646, ClinGen allele CA387393757.
Genomic context (GRCh38, chr12:132,661,593, plus strand): 5'-TTCAATTTCTTGCCTTCTTCCTTGGAGGCTGGAAGAATCATGGCAAGGTAGGGCCCATCA[A>T]CCTCAAAAAAGATGCTGTTCTCTGAGCGGGTGACGTAGGTGAGTGAGGACGGCTCAGCCA-3'
Protein context (NP_006222.2, residues 923-943): TRSENSIFFE[Val933Asp]DGPYLAMILP

ClinVar aggregate classification (germline): Uncertain significance. Review status: criteria provided, multiple submitters, no conflicts (2 of 4 stars). 2 submissions from 2 submitters: Uncertain significance (2). Last evaluated 2025-01-09.

Conditions:
Hereditary cancer-predisposing syndrome. Also called: Hereditary Cancer Syndrome; Neoplastic Syndromes, Hereditary; Tumor predisposition; Hereditary neoplastic syndrome. Identifiers: Orphanet 140162, MedGen C0027672, MeSH D009386, MONDO:0015356.

Submissions (2):

Ambry Genetics
Classification: Uncertain significance for Hereditary cancer-predisposing syndrome. Last evaluated: 2025-01-09. Review status: criteria provided, single submitter. Criteria: Ambry Variant Classification Scheme 2023. Collection method: clinical testing. Allele origin: germline.
Comment: The p.V933D variant (also known as c.2798T>A), located in coding exon 24 of the POLE gene, results from a T to A substitution at nucleotide position 2798. The valine at codon 933 is replaced by aspartic acid, an amino acid with highly dissimilar properties. This amino acid position is highly conserved in available vertebrate species. In addition, this alteration is predicted to be deleterious by in silico analysis. Based on the available evidence, the clinical significance of this variant remains unclear.

Labcorp Genetics (formerly Invitae), Labcorp
Classification: Uncertain significance. Last evaluated: 2023-05-24. Review status: criteria provided, single submitter. Criteria: Invitae Variant Classification Sherloc (09022015). Collection method: clinical testing. Allele origin: germline.
Comment: This sequence change replaces valine, which is neutral and non-polar, with aspartic acid, which is acidic and polar, at codon 933 of the POLE protein (p.Val933Asp). This variant is not present in population databases (gnomAD no frequency). This variant has not been reported in the literature in individuals affected with POLE-related conditions. ClinVar contains an entry for this variant (Variation ID: 2165122). Advanced modeling of protein sequence and biophysical properties (such as structural, functional, and spatial information, amino acid conservation, physicochemical variation, residue mobility, and thermodynamic stability) performed at Invitae indicates that this missense variant is expected to disrupt POLE protein function. In summary, the available evidence is currently insufficient to determine the role of this variant in disease. Therefore, it has been classified as a Variant of Uncertain Significance.